The following is an entry in ClinVar:

NM_030777.4(SLC2A10):c.922G>A (p.Ala308Thr)

Gene: SLC2A10 (solute carrier family 2 member 10; plus strand). Cytogenetic location: 20q13.12.
Variant type: single nucleotide variant.
Coding change: c.922G>A on transcript NM_030777.4 (MANE Select); coding-DNA position 922, G replaced by A.
Protein change: p.Ala308Thr; replaces alanine 308 with threonine.
Molecular consequence: missense variant.
Genome position (GRCh38, 1-based): chr20:46,725,958, G>A. VCF-style: chr20-46725958-G-A. GRCh37 (hg19) VCF-style: chr20-45354597-G-A.
Other names: short protein forms A308T.
Identifiers: ClinVar variation 1766265 (VCV001766265.3), dbSNP rs2515591058, ClinGen allele CA409268634.

ClinVar aggregate classification (germline): Uncertain significance (1 of 4 stars; one submission).

Conditions:
Familial thoracic aortic aneurysm and aortic dissection (TAAD). Also called: Thoracic aortic aneurysms and dissections. Identifiers: Orphanet 91387, MedGen C4707243, MONDO:0019625.

Allele frequency attached by ClinVar (database versions not stated): gnomAD exomes below 0.00001.
gnomAD v4.1: 2 of 1,613,740 alleles (0.00012%); highest among the groups gnomAD compares: African/African-American, 0.0013%; no homozygotes.

Submission:

Ambry Genetics
Classification: Uncertain significance for Familial thoracic aortic aneurysm and aortic dissection. Last evaluated: 2025-03-23. Review status: criteria provided, single submitter. Criteria: Ambry Variant Classification Scheme 2023. Collection method: clinical testing. Allele origin: germline.
Comment: The p.A308T variant (also known as c.922G>A), located in coding exon 2 of the SLC2A10 gene, results from a G to A substitution at nucleotide position 922. The alanine at codon 308 is replaced by threonine, an amino acid with similar properties. This amino acid position is conserved. In addition, this alteration is predicted to be tolerated by in silico analysis. Since supporting evidence is limited at this time, the clinical significance of this alteration remains unclear.